The following is an entry in ClinVar:

NM_000368.5(TSC1):c.3134T>A (p.Leu1045His)

Gene: TSC1 (TSC complex subunit 1; minus strand). Cytogenetic location: 9q34.13.
Variant type: single nucleotide variant.
Coding change: c.3134T>A on transcript NM_000368.5 (MANE Select); coding-DNA position 3134, T replaced by A.
Protein change: p.Leu1045His; replaces leucine 1045 with histidine.
Molecular consequence: missense variant.
Genome position (GRCh38, 1-based): chr9:132,896,596, A>T on the plus strand (T>A on the coding strand, the complement: TSC1 is on the minus strand). VCF-style: chr9-132896596-A-T. GRCh37 (hg19) VCF-style: chr9-135771983-A-T.
Other names: c.3131T>A, p.Leu1044His (NM_001162426.2); c.2981T>A, p.Leu994His (NM_001162427.2); c.2771T>A, p.Leu924His (NM_001362177.2); c.3134T>A (NM_000368.4); short protein forms L1044H, L1045H, L924H, L994H.
Identifiers: ClinVar variation 1446191 (VCV001446191.7), dbSNP rs2131606944, ClinGen allele CA375367278.

ClinVar aggregate classification (germline): Uncertain significance. Review status: criteria provided, multiple submitters, no conflicts (2 of 4 stars). 2 submissions from 2 submitters: Uncertain significance (2). Last evaluated 2025-04-25.

Conditions:
Tuberous sclerosis 1 (TSC1). Identifiers: Orphanet 805, MedGen C1854465, MONDO:0008612, OMIM 191100.
Hereditary cancer-predisposing syndrome. Also called: Tumor predisposition; Hereditary neoplastic syndrome; Hereditary Cancer Syndrome; Neoplastic Syndromes, Hereditary. Identifiers: Orphanet 140162, MedGen C0027672, MeSH D009386, MONDO:0015356.

Submissions (2):

Ambry Genetics
Classification: Uncertain significance for Hereditary cancer-predisposing syndrome. Last evaluated: 2025-04-25. Review status: criteria provided, single submitter. Criteria: Ambry Variant Classification Scheme 2023. Collection method: clinical testing. Allele origin: germline.
Comment: The p.L1045H variant (also known as c.3134T>A), located in coding exon 21 of the TSC1 gene, results from a T to A substitution at nucleotide position 3134. The leucine at codon 1045 is replaced by histidine, an amino acid with similar properties. This amino acid position is conserved. In addition, the in silico prediction for this alteration is inconclusive. Based on the available evidence, the clinical significance of this variant remains unclear.

Labcorp Genetics (formerly Invitae), Labcorp
Classification: Uncertain significance for Tuberous sclerosis 1. Last evaluated: 2021-08-27. Review status: criteria provided, single submitter. Criteria: Invitae Variant Classification Sherloc (09022015). Collection method: clinical testing. Allele origin: germline.
Comment: This sequence change replaces leucine with histidine at codon 1045 of the TSC1 protein (p.Leu1045His). The leucine residue is highly conserved and there is a moderate physicochemical difference between leucine and histidine. This variant is not present in population databases (ExAC no frequency). This variant has not been reported in the literature in individuals affected with TSC1-related conditions. Algorithms developed to predict the effect of missense changes on protein structure and function are either unavailable or do not agree on the potential impact of this missense change (SIFT: "Deleterious"; PolyPhen-2: "Possibly Damaging"; Align-GVGD: "Class C0"). In summary, the available evidence is currently insufficient to determine the role of this variant in disease. Therefore, it has been classified as a Variant of Uncertain Significance.